The following is an entry in ClinVar:

ClinVar aggregate classification (germline): Likely benign. Review status: criteria provided, multiple submitters, no conflicts (2 of 4 stars). 6 submissions from 6 submitters: Likely benign (4). 2 of the submissions do not count toward it. Last evaluated 2026-01-02.

Conditions:
Autosomal recessive limb-girdle muscular dystrophy type 2J (LGMDR10). Also called: Limb-girdle muscular dystrophy, type 2J; MUSCULAR DYSTROPHY, LIMB-GIRDLE, AUTOSOMAL RECESSIVE 10. Identifiers: Orphanet 140922, MedGen C1837342, MONDO:0012127, OMIM 608807.
Dilated cardiomyopathy 1G (CMD1G). Identifiers: Orphanet 154, MedGen C1858763, MONDO:0011400, OMIM 604145.
TTN-related disorder. Also called: TTN-related disorders; TTN-related condition; TTN-related disease.

Allele frequency attached by ClinVar (database versions not stated): TOPMed below 0.00001; gnomAD 0.00001.
gnomAD v4.1: 12 of 1,612,864 alleles (0.00074%); highest among the groups gnomAD compares: South Asian, 0.0033%; no homozygotes.

Submissions (6):

PreventionGenetics, part of Exact Sciences
Classification: Likely benign for TTN-related condition. Last evaluated: 2026-01-02. Review status: criteria provided, single submitter. Criteria: ACMG Guidelines, 2015. Collection method: clinical testing. Allele origin: germline.
Comment: This variant is classified as likely benign based on ACMG/AMP sequence variant interpretation guidelines (Richards et al. 2015 PMID: 25741868, with internal and published modifications).

Labcorp Genetics (formerly Invitae), Labcorp
Classification: Likely benign for Dilated cardiomyopathy 1G; Autosomal recessive limb-girdle muscular dystrophy type 2J. Last evaluated: 2025-11-27. Review status: criteria provided, single submitter. Criteria: Invitae Variant Classification Sherloc (09022015). Collection method: clinical testing. Allele origin: germline.

CeGaT Center for Human Genetics Tuebingen
Classification: Likely benign. Last evaluated: 2024-12-01. Review status: criteria provided, single submitter. Criteria: CeGaT Center For Human Genetics Tuebingen Variant Classification Criteria Version 2. Collection method: clinical testing. Allele origin: germline. Affected: yes. Observed: 1 variant allele.
Comment: TTN: BP4, BP7

Blueprint Genetics
Classification: Likely benign. Last evaluated: 2023-12-12. Review status: criteria provided, single submitter. Criteria: ACMG Guidelines, 2015. Collection method: clinical testing. Allele origin: germline.

Clinical Genetics, Academic Medical Center
Classification: Benign. Review status: no assertion criteria provided. Collection method: clinical testing. Allele origin: germline. Affected: yes. Study: VKGL Data-share Consensus. Not counted in ClinVar's aggregate classification.

Joint Genome Diagnostic Labs from Nijmegen and Maastricht, Radboudumc and MUMC+
Classification: Likely benign. Review status: no assertion criteria provided. Collection method: clinical testing. Allele origin: germline. Affected: yes. Study: VKGL Data-share Consensus. Not counted in ClinVar's aggregate classification.

NM_001267550.2(TTN):c.36324G>A (p.Ser12108=)

Gene: TTN (titin; minus strand). Cytogenetic location: 2q31.2.
Variant type: single nucleotide variant.
Coding change: c.36324G>A on transcript NM_001267550.2 (MANE Select); coding-DNA position 36324, G replaced by A.
Protein change: p.Ser12108=; no amino-acid change (serine 12108 retained).
Molecular consequence: synonymous variant. On other transcripts: intron variant (5).
Genome position (GRCh38, 1-based): chr2:178,664,055, C>T on the plus strand (G>A on the coding strand, the complement: TTN is on the minus strand). VCF-style: chr2-178664055-C-T. GRCh37 (hg19) VCF-style: chr2-179528782-C-T.
Other names: c.13283-21738G>A (NM_003319.4); c.13859-21738G>A (NM_133437.4); c.13658-21738G>A (NM_133432.3); c.31484-1000G>A (NM_133378.4); c.34265-1000G>A (NM_001256850.1).
Identifiers: ClinVar variation 701402 (VCV000701402.24), dbSNP rs549147739, ClinGen allele CA1997544.